The following is an entry in ClinVar:

ClinVar aggregate classification (germline): Benign. Review status: criteria provided, multiple submitters, no conflicts (2 of 4 stars). 13 submissions from 13 submitters: Benign (10). 3 of the submissions do not count toward it. Last evaluated 2026-02-04.

Conditions:
Pseudohypoaldosteronism type 2C (PHA2C). Also called: Pseudohypoaldosteronism Type IIC. Identifiers: Orphanet 757, Orphanet 88940, MedGen C1840391, MONDO:0013778, OMIM 614492.
Neuropathy, hereditary sensory and autonomic, type 2A (HSAN2A). Also called: ACROOSTEOLYSIS, GIACCAI TYPE; ACROOSTEOLYSIS, NEUROGENIC; MORVAN DISEASE; NEUROPATHY, CONGENITAL SENSORY; NEUROPATHY, HEREDITARY SENSORY RADICULAR, AUTOSOMAL RECESSIVE; NEUROPATHY, HEREDITARY SENSORY, TYPE IIA. Identifiers: Orphanet 970, MedGen C2752089, MONDO:0024309, OMIM 201300.

Allele frequency attached by ClinVar (database versions not stated): ExAC 0.83142; gnomAD exomes 0.83216; gnomAD 0.84133 and 0.84165; TOPMed 0.85065; ESP Exome Variant Server 0.85261; 1000 Genomes Project 0.85284; 1000 Genomes Project 30x 0.85306.
gnomAD v4.1: 1,362,151 of 1,613,940 alleles (84%); highest among the groups gnomAD compares: Admixed American, 87%; 575,538 homozygotes.

Submissions (13):

Labcorp Genetics (formerly Invitae), Labcorp
Classification: Benign for Neuropathy, hereditary sensory and autonomic, type 2A; Pseudohypoaldosteronism type 2C. Last evaluated: 2026-02-04. Review status: criteria provided, single submitter. Criteria: Invitae Variant Classification Sherloc (09022015). Collection method: clinical testing. Allele origin: germline.

ARUP Laboratories, Molecular Genetics and Genomics, ARUP Laboratories
Classification: Benign. Last evaluated: 2025-07-30. Review status: criteria provided, single submitter. Criteria: ARUP Molecular Germline Variant Investigation Process 2024. Collection method: clinical testing. Allele origin: germline.

Blueprint Genetics
Classification: Benign. Last evaluated: 2024-11-27. Review status: criteria provided, single submitter. Criteria: ACMG Guidelines, 2015. Collection method: clinical testing. Allele origin: germline.

Mayo Clinic Laboratories, Mayo Clinic
Classification: Benign. Last evaluated: 2022-09-23. Review status: criteria provided, single submitter. Criteria: ACMG Guidelines, 2015. Collection method: clinical testing. Allele origin: germline. Observed: 2,260 variant alleles.
Comment: BA1, BP4

Genome-Nilou Lab
Classification: Benign for Neuropathy, hereditary sensory and autonomic, type 2A. Last evaluated: 2021-07-14. Review status: criteria provided, single submitter. Criteria: ACMG Guidelines, 2015. Collection method: clinical testing. Allele origin: germline. Affected: no.

Illumina Laboratory Services, Illumina
Classification: Benign for Pseudohypoaldosteronism type 2C. Last evaluated: 2018-03-06. Review status: criteria provided, single submitter. Criteria: ICSL Variant Classification Criteria 13 December 2019. Collection method: clinical testing. Allele origin: germline.
Comment: This variant was observed in the ICSL laboratory as part of a predisposition screen in an ostensibly healthy population. It had not been previously curated by ICSL or reported in the Human Gene Mutation Database (HGMD: prior to June 1st, 2018), and was therefore a candidate for classification through an automated scoring system. Utilizing variant allele frequency, disease prevalence and penetrance estimates, and inheritance mode, an automated score was calculated to assess if this variant is too frequent to cause the disease. Based on the score and internal cut-off values, a variant classified as benign is not then subjected to further curation. The score for this variant resulted in a classification of benign for this disease.

Athena Diagnostics
Classification: Benign for Neuropathy, hereditary sensory and autonomic, type 2A. Last evaluated: 2017-06-12. Review status: criteria provided, single submitter. Criteria: Athena Diagnostics Criteria. Collection method: clinical testing. Allele origin: germline.

GeneDx
Classification: Benign. Last evaluated: 2015-03-03. Review status: criteria provided, single submitter. Criteria: GeneDx Variant Classification Process June 2021. Collection method: clinical testing. Allele origin: germline. Affected: yes.
Comment: This variant is associated with the following publications: (PMID: 17000706)

Breakthrough Genomics
Classification: Benign. Review status: criteria provided, single submitter. Criteria: ACMG Guidelines, 2015. Collection method: not provided. Allele origin: germline. Inheritance: Autosomal recessive inheritance. Affected: yes.

PreventionGenetics, part of Exact Sciences
Classification: Benign. Review status: criteria provided, single submitter. Criteria: ACMG Guidelines, 2015. Collection method: clinical testing. Allele origin: germline.

Clinical Genetics, Academic Medical Center
Classification: Benign. Review status: no assertion criteria provided. Collection method: clinical testing. Allele origin: germline. Affected: yes. Study: VKGL Data-share Consensus. Not counted in ClinVar's aggregate classification.

Diagnostic Laboratory, Department of Genetics, University Medical Center Groningen
Classification: Benign. Review status: no assertion criteria provided. Collection method: clinical testing. Allele origin: germline. Affected: yes. Study: VKGL Data-share Consensus. Not counted in ClinVar's aggregate classification.

Joint Genome Diagnostic Labs from Nijmegen and Maastricht, Radboudumc and MUMC+
Classification: Benign. Review status: no assertion criteria provided. Collection method: clinical testing. Allele origin: germline. Affected: yes. Study: VKGL Data-share Consensus. Not counted in ClinVar's aggregate classification.

NM_018979.4(WNK1):c.3166A>C (p.Thr1056Pro)

Gene: WNK1 (WNK lysine deficient protein kinase 1; plus strand). Cytogenetic location: 12p13.33.
Variant type: single nucleotide variant.
Coding change: c.3166A>C on transcript NM_018979.4 (MANE Select); coding-DNA position 3166, A replaced by C.
Protein change: p.Thr1056Pro; replaces threonine 1056 with proline.
Molecular consequence: missense variant.
Genome position (GRCh38, 1-based): chr12:881,746, A>C. VCF-style: chr12-881746-A-C. GRCh37 (hg19) VCF-style: chr12-990912-A-C.
Other names: c.3946A>C, p.Thr1316Pro (NM_001184985.2); c.2425A>C, p.Thr809Pro (NM_014823.3); c.3922A>C, p.Thr1308Pro (NM_213655.5); short protein forms T1056P, T1308P, T1316P, T809P.
Identifiers: ClinVar variation 261070 (VCV000261070.44), dbSNP rs956868, ClinGen allele CA6382677.